The following is an entry in ClinVar:

ClinVar aggregate classification (germline): Pathogenic/Likely pathogenic. Review status: criteria provided, multiple submitters, no conflicts (2 of 4 stars). 2 submissions from 2 submitters: Pathogenic (1); Likely pathogenic (1). Last evaluated 2023-02-24.

Conditions:
Sjögren-Larsson syndrome (SLS). Also called: FALDH DEFICIENCY; FATTY ALCOHOL:NAD+ OXIDOREDUCTASE DEFICIENCY; FATTY ALDEHYDE DEHYDROGENASE DEFICIENCY; ICHTHYOSIS, SPASTIC NEUROLOGIC DISORDER, AND OLIGOPHRENIA. Identifiers: Orphanet 816, MedGen C0037231, MONDO:0010031, OMIM 270200.

Submissions (2):

Labcorp Genetics (formerly Invitae), Labcorp
Classification: Pathogenic. Last evaluated: 2023-02-24. Review status: criteria provided, single submitter. Criteria: Invitae Variant Classification Sherloc (09022015). Collection method: clinical testing. Allele origin: germline.
Comment: This sequence change creates a premature translational stop signal (p.Lys218Argfs*3) in the ALDH3A2 gene. It is expected to result in an absent or disrupted protein product. Loss-of-function variants in ALDH3A2 are known to be pathogenic (PMID: 10577908, 10854114). For these reasons, this variant has been classified as Pathogenic. Algorithms developed to predict the effect of sequence changes on RNA splicing suggest that this variant may disrupt the consensus splice site. ClinVar contains an entry for this variant (Variation ID: 1724236). This variant has not been reported in the literature in individuals affected with ALDH3A2-related conditions. This variant is not present in population databases (gnomAD no frequency).

Myriad Genetics, Inc.
Classification: Likely pathogenic for Sjögren-Larsson syndrome. Last evaluated: 2022-02-02. Review status: criteria provided, single submitter. Criteria: Myriad Women's Health Autosomal Recessive and X-Linked Classification Criteria (2021). Collection method: clinical testing. Allele origin: unknown.
Comment: NM_000382.2(ALDH3A2):c.653_654delAA(K218Rfs*3) is expected to be pathogenic in the context of Sjogren-Larsson syndrome. This variant is predicted to lead to an abnormal or absent protein product due to the creation of a premature termination codon in ALDH3A2, a gene where loss-of-function variants are known to be pathogenic. Please note: this variant was assessed in the context of healthy population screening.

Literature cited by the submitters: PubMed 10577908 (cited by Labcorp Genetics (formerly Invitae), Labcorp); PubMed 10854114 (cited by Labcorp Genetics (formerly Invitae), Labcorp).

NM_000382.3(ALDH3A2):c.653_654del (p.Lys218fs)

Gene: ALDH3A2 (aldehyde dehydrogenase 3 family member A2; plus strand). Cytogenetic location: 17p11.2.
Variant type: Deletion.
Coding change: c.653_654del on transcript NM_000382.3 (MANE Select); coding-DNA positions 653 to 654, 2 bases deleted (AA; older notation c.653_654delAA).
Protein change: p.Lys218fs; shifts the reading frame from lysine 218.
Molecular consequence: frameshift variant.
Genome position (GRCh38, 1-based): chr17:19,656,547-19,656,548, AA deleted; deleting any 2 consecutive bases within chr17:19,656,546-19,656,548 gives the same sequence; the c. name uses the placement nearest the transcript's 3' end. VCF-style (leftmost placement, unchanged base first): chr17-19656545-TAA-T. GRCh37 (hg19) VCF-style: chr17-19559858-TAA-T.
Other names: c.653_654del, p.Lys218fs (NM_001031806.2, NM_001369136.1, NM_001369137.2 and 3 more transcripts); c.74_75del, p.Lys25fs (NM_001369148.2); short protein forms K218fs, K25fs.
Identifiers: ClinVar variation 1724236 (VCV001724236.5), dbSNP rs2544372602, ClinGen allele CA2580092742.